The following is an entry in ClinVar:

NM_000673.7(ADH7):c.558T>C (p.Thr186=)

Gene: ADH7 (alcohol dehydrogenase 7 (class IV), mu or sigma polypeptide; minus strand). Cytogenetic location: 4q23.
Variant type: single nucleotide variant.
Coding change: c.558T>C on transcript NM_000673.7 (MANE Select); coding-DNA position 558, T replaced by C.
Protein change: p.Thr186=; no amino-acid change (threonine 186 retained).
Molecular consequence: synonymous variant.
Genome position (GRCh38, 1-based): chr4:99,427,779, A>G on the plus strand (T>C on the coding strand, the complement: ADH7 is on the minus strand). VCF-style: chr4-99427779-A-G. GRCh37 (hg19) VCF-style: chr4-100348936-A-G.
Other names: c.618T>C, p.Thr206= (NM_001166504.2).
Identifiers: ClinVar variation 3352642 (VCV003352642.1).

ClinVar aggregate classification (germline): Uncertain significance (0 of 4 stars; one submission).

Conditions:
ADH7-related disorder. Also called: ADH7-related condition.

gnomAD v4.1: 127 of 1,534,318 alleles (0.0083%); highest among the groups gnomAD compares: Non-Finnish European, 0.01%; no homozygotes.

Submission:

PreventionGenetics, part of Exact Sciences
Classification: Uncertain significance for ADH7-related condition. Last evaluated: 2024-07-09. Review status: no assertion criteria provided. Collection method: clinical testing. Allele origin: germline.
Comment: The ADH7 c.618T>C variant is not predicted to result in an amino acid change (p.=). This variant is predicted to alter splicing based on available splicing prediction software (SpliceAI, Jaganathan et al. 2019. PubMed ID: 30661751). However, the use of computer prediction software is not equivalent to functional evidence. To our knowledge, this variant has not been reported in the literature. This variant is reported in 0.016% of alleles in individuals of European (Non-Finnish) descent in gnomAD. At this time, the clinical significance of this variant is uncertain due to the absence of conclusive functional and genetic evidence.